The following is an entry in ClinVar:

ClinVar aggregate classification (germline): Likely benign. Review status: criteria provided, multiple submitters, no conflicts (2 of 4 stars). 8 submissions from 8 submitters: Likely benign (6). 2 of the submissions do not count toward it. Last evaluated 2026-02-01.

Conditions:
Dyskeratosis congenita. Identifiers: Orphanet 1775, MedGen C0265965, MONDO:0015780.
Dyskeratosis congenita, autosomal recessive 5 (DKCB5). Identifiers: MedGen C3554656, MONDO:0014076, OMIM 615190.
Pulmonary fibrosis and/or bone marrow failure, Telomere-related, 3. Also called: PULMONARY FIBROSIS AND/OR BONE MARROW FAILURE SYNDROME, TELOMERE-RELATED, 3. Identifiers: Orphanet 2032, MedGen C4225346, MONDO:0014613, OMIM 616373.
Inborn genetic diseases. Identifiers: MedGen C0950123, MeSH D030342.

Allele frequency attached by ClinVar (database versions not stated): 1000 Genomes Project 30x 0.00016; 1000 Genomes Project 0.00020; TOPMed 0.00027; ESP Exome Variant Server 0.00031; gnomAD 0.00033 and 0.00035; ExAC 0.00034; gnomAD exomes 0.00036 and 0.00039.
gnomAD v4.1: 590 of 1,610,928 alleles (0.037%); highest among the groups gnomAD compares: Middle Eastern, 0.066%; no homozygotes.

Submissions (8):

Labcorp Genetics (formerly Invitae), Labcorp
Classification: Likely benign for Dyskeratosis congenita, autosomal recessive 5; Pulmonary fibrosis and/or bone marrow failure, Telomere-related, 3. Last evaluated: 2026-02-01. Review status: criteria provided, single submitter. Criteria: Invitae Variant Classification Sherloc (09022015). Collection method: clinical testing. Allele origin: germline.

Blueprint Genetics
Classification: Likely benign. Last evaluated: 2024-09-24. Review status: criteria provided, single submitter. Criteria: ACMG Guidelines, 2015. Collection method: clinical testing. Allele origin: germline.

CeGaT Center for Human Genetics Tuebingen
Classification: Likely benign. Last evaluated: 2024-06-01. Review status: criteria provided, single submitter. Criteria: CeGaT Center For Human Genetics Tuebingen Variant Classification Criteria Version 2. Collection method: clinical testing. Allele origin: germline. Affected: yes. Observed: 5 variant alleles.
Comment: RTEL1: BP4, BP7

Ambry Genetics
Classification: Likely benign for Inborn genetic diseases. Last evaluated: 2022-03-03. Review status: criteria provided, single submitter. Criteria: Ambry Variant Classification Scheme 2023. Collection method: clinical testing. Allele origin: germline.

Sema4
Classification: Likely benign for Dyskeratosis congenita. Last evaluated: 2021-05-28. Review status: criteria provided, single submitter. Criteria: Sema4 Curation Guidelines. Collection method: curation. Allele origin: germline.

Breakthrough Genomics
Classification: Likely benign. Review status: criteria provided, single submitter. Criteria: ACMG Guidelines, 2015. Collection method: not provided. Allele origin: germline. Inheritance: Autosomal recessive inheritance. Affected: yes.

Genetic Services Laboratory, University of Chicago
Classification: Likely benign. Last evaluated: 2022-08-01. Review status: no assertion criteria provided. Collection method: clinical testing. Allele origin: germline. Affected: no. Not counted in ClinVar's aggregate classification.

Natera, Inc.
Classification: Likely benign for Dyskeratosis congenita. Last evaluated: 2020-09-16. Review status: no assertion criteria provided. Collection method: clinical testing. Allele origin: germline. Not counted in ClinVar's aggregate classification.

NM_001283009.2(RTEL1):c.1833C>T (p.Ala611=)

Genes: RTEL1 (regulator of telomere elongation helicase 1; plus strand), RTEL1-TNFRSF6B (RTEL1-TNFRSF6B readthrough (NMD candidate); plus strand). Cytogenetic location: 20q13.33.
Variant type: single nucleotide variant.
Coding change: c.1833C>T on transcript NM_001283009.2 (MANE Select); coding-DNA position 1833, C replaced by T.
Protein change: p.Ala611=; no amino-acid change (alanine 611 retained).
Molecular consequence: synonymous variant. On other transcripts: non-coding transcript variant (1).
Genome position (GRCh38, 1-based): chr20:63,689,087, C>T. VCF-style: chr20-63689087-C-T. GRCh37 (hg19) VCF-style: chr20-62320440-C-T.
Other names: c.1164C>T, p.Ala388= (NM_001283010.1); c.1833C>T, p.Ala611= (NM_016434.4); c.1905C>T, p.Ala635= (NM_032957.5).
Identifiers: ClinVar variation 791068 (VCV000791068.42), dbSNP rs116502880, ClinGen allele CA9965032.
Genomic context (GRCh38, chr20:63,689,087, plus strand): 5'-GGCTCAGCCTCACCAACTTTCCTTCCAGACCATCAGTGCTTACTATGCAAGGGTTGCCGC[C>T]CCTGGGTCCACCGGCGCCACCTTCCTGGCGGTCTGCCGGGGCAAGGTGAGCTCTCCAGGG-3'
Protein context (NP_001269938.1, residues 601-621): TISAYYARVA[Ala611=]PGSTGATFLA